The following is an entry in ClinVar:

NM_003467.3(CXCR4):c.1027G>A (p.Glu343Lys)

Gene: CXCR4 (C-X-C motif chemokine receptor 4; minus strand). Cytogenetic location: 2q22.1.
Variant type: single nucleotide variant.
Coding change: c.1027G>A on transcript NM_003467.3 (MANE Select); coding-DNA position 1027, G replaced by A.
Protein change: p.Glu343Lys; replaces glutamic acid 343 with lysine.
Molecular consequence: missense variant.
Genome position (GRCh38, 1-based): chr2:136,114,901, C>T on the plus strand (G>A on the coding strand, the complement: CXCR4 is on the minus strand). VCF-style: chr2-136114901-C-T. GRCh37 (hg19) VCF-style: chr2-136872471-C-T.
Other names: c.1039G>A, p.Glu347Lys (NM_001008540.2); c.1240G>A, p.Glu414Lys (NM_001348056.2); c.1126G>A, p.Glu376Lys (NM_001348059.2); c.982G>A, p.Glu328Lys (NM_001348060.2); short protein forms E328K, E343K, E347K, E376K, E414K.
Identifiers: ClinVar variation 3900754 (VCV003900754.2).

ClinVar aggregate classification (germline): Likely pathogenic (1 of 4 stars; one submission).

Conditions:
WHIM syndrome 1 (WHIMS). Identifiers: Orphanet 51636, MedGen C5542296, MONDO:8000006, OMIM 193670.

Submission:

Research Department, X4 Pharmaceuticals (Austria) GmbH
Classification: Likely pathogenic for WHIM syndrome 1. Last evaluated: 2025-05-14. Review status: criteria provided, single submitter. Criteria: ACMG Guidelines, 2015. Collection method: curation, in vitro. Allele origin: germline, not applicable. Inheritance: Autosomal dominant inheritance. Affected: yes. Observed: 4 variant alleles. Clinical features observed: Recurrent infections (HP:0002719), Decreased total lymphocyte count (HP:0001888), Decreased total neutrophil count (HP:0001875), Disseminated cutaneous warts (HP:0032215), Myelokathexis (HP:0031160). Functional consequence: gain_of_function_variant.
Comment: The p.E343K missense variant has been observed in individuals with WHIM syndrome (PMID: 22596258) and has also been observed to segregate with disease in related individuals. Experimental studies have shown that this missense change affects CXCR4 function (PMID: 22596258, 23734232, 33485325, 36089616). This variant is not present in population databases (gnomAD no frequency).

Literature cited by the submitters: PubMed 22596258; PubMed 23734232; PubMed 33485325; PubMed 36089616.